The following is an entry in ClinVar:

NM_000287.4(PEX6):c.2743T>C (p.Tyr915His)

Gene: PEX6 (peroxisomal biogenesis factor 6; minus strand). Cytogenetic location: 6p21.1.
Variant type: single nucleotide variant.
Coding change: c.2743T>C on transcript NM_000287.4 (MANE Select); coding-DNA position 2743, T replaced by C.
Protein change: p.Tyr915His; replaces tyrosine 915 with histidine.
Molecular consequence: missense variant. On other transcripts: non-coding transcript variant (1).
Genome position (GRCh38, 1-based): chr6:42,964,853, A>G on the plus strand (T>C on the coding strand, the complement: PEX6 is on the minus strand). VCF-style: chr6-42964853-A-G. GRCh37 (hg19) VCF-style: chr6-42932591-A-G.
Other names: c.2479T>C, p.Tyr827His (NM_001316313.2); short protein forms Y827H, Y915H.
Identifiers: ClinVar variation 4755864 (VCV004755864.1).

ClinVar aggregate classification (germline): Uncertain significance (1 of 4 stars; one submission).

gnomAD v4.1: 1 of 1,614,142 alleles (0.000062%); no homozygotes.

Submission:

GeneDx
Classification: Uncertain significance. Last evaluated: 2025-08-01. Review status: criteria provided, single submitter. Criteria: GeneDx Variant Classification Process June 2021. Collection method: clinical testing. Allele origin: germline. Affected: yes.
Comment: Not observed at significant frequency in large population cohorts (gnomAD); In silico analysis supports that this missense variant has a deleterious effect on protein structure/function; Has not been previously published as pathogenic or benign to our knowledge